The following is an entry in ClinVar:

ClinVar aggregate classification (germline): Uncertain significance (1 of 4 stars; one submission).

Conditions:
Hereditary cancer-predisposing syndrome. Also called: Neoplastic Syndromes, Hereditary; Tumor predisposition; Hereditary neoplastic syndrome; Hereditary Cancer Syndrome. Identifiers: Orphanet 140162, MedGen C0027672, MeSH D009386, MONDO:0015356.

Submission:

Ambry Genetics
Classification: Uncertain significance for Hereditary cancer-predisposing syndrome. Last evaluated: 2023-11-21. Review status: criteria provided, single submitter. Criteria: Ambry Variant Classification Scheme 2023. Collection method: clinical testing. Allele origin: germline.
Comment: The c.-39G>T variant is located in the 5' untranslated region (5&rsquo; UTR) of the POT1 gene. This variant results from a G to T substitution 39 bases upstream from the first translated codon. This nucleotide position is highly conserved in available vertebrate species. In silico splice site analysis predicts that this alteration may weaken the native splice acceptor site; however, direct evidence is insufficient at this time (Ambry internal data). Since supporting evidence is limited at this time, the clinical significance of this alteration remains unclear.

NM_015450.3(POT1):c.-39G>T

Gene: POT1 (protection of telomeres 1; minus strand). Cytogenetic location: 7q31.33.
Variant type: single nucleotide variant.
Coding change: c.-39G>T on transcript NM_015450.3 (MANE Select); 39 bases upstream of the start codon, G replaced by T.
Molecular consequence: 5 prime UTR variant. On other transcripts: non-coding transcript variant (3).
Genome position (GRCh38, 1-based): chr7:124,897,212, C>A on the plus strand (G>T on the coding strand, the complement: POT1 is on the minus strand). VCF-style: chr7-124897212-C-A. GRCh37 (hg19) VCF-style: chr7-124537266-C-A.
Other names: c.-301G>T (NM_001042594.2).
Identifiers: ClinVar variation 3226677 (VCV003226677.1), dbSNP rs1399120787, ClinGen allele CA2684723262.